The following is an entry in ClinVar:

ClinVar aggregate classification (germline): Uncertain significance (1 of 4 stars; one submission).

Submission:

GeneDx
Classification: Uncertain significance. Last evaluated: 2024-10-03. Review status: criteria provided, single submitter. Criteria: GeneDx Variant Classification Process June 2021. Collection method: clinical testing. Allele origin: germline. Affected: yes.
Comment: Not observed at significant frequency in large population cohorts (gnomAD); In silico analysis supports that this missense variant has a deleterious effect on protein structure/function; Has not been previously published as pathogenic or benign to our knowledge

NM_001330078.2(NRXN1):c.3080A>T (p.Tyr1027Phe)

Gene: NRXN1 (neurexin 1; minus strand). Cytogenetic location: 2p16.3.
Variant type: single nucleotide variant.
Coding change: c.3080A>T on transcript NM_001330078.2 (MANE Select); coding-DNA position 3080, A replaced by T.
Protein change: p.Tyr1027Phe; replaces tyrosine 1027 with phenylalanine.
Molecular consequence: missense variant.
Genome position (GRCh38, 1-based): chr2:50,472,462, T>A on the plus strand (A>T on the coding strand, the complement: NRXN1 is on the minus strand). VCF-style: chr2-50472462-T-A. GRCh37 (hg19) VCF-style: chr2-50699600-T-A.
Other names: c.3200A>T, p.Tyr1067Phe (NM_001135659.3); c.3056A>T, p.Tyr1019Phe (NM_001330077.2, NM_001330082.2); c.3014A>T, p.Tyr1005Phe (NM_001330083.2, NM_001330084.2); c.3053A>T, p.Tyr1018Phe (NM_001330085.2); c.3080A>T, p.Tyr1027Phe (NM_001330086.2, NM_004801.6); c.2969A>T, p.Tyr990Phe (NM_001330087.2, NM_001330096.2); c.2999A>T, p.Tyr1000Phe (NM_001330088.2); c.3077A>T, p.Tyr1026Phe (NM_001330093.2); and 2 more; short protein forms Y1000F, Y1005F, Y1010F, Y1018F, Y1019F, Y1023F, Y1026F, Y1027F.
Identifiers: ClinVar variation 3776660 (VCV003776660.1).